The following is an entry in ClinVar:

ClinVar aggregate classification (germline): Conflicting classifications of pathogenicity. Review status: criteria provided, conflicting classifications (1 of 4 stars). 2 submissions from 2 submitters: Likely pathogenic (1); Uncertain significance (1). Last evaluated 2022-02-08.

Conditions:
Inborn genetic diseases. Identifiers: MedGen C0950123, MeSH D030342.
Kleefstra syndrome 2 (KLEFS2). Identifiers: MedGen C4540395, MONDO:0054701, OMIM 617768.

Submissions (2):

Ambry Genetics
Classification: Uncertain significance for Inborn genetic diseases. Last evaluated: 2022-02-08. Review status: criteria provided, single submitter. Criteria: Ambry Variant Classification Scheme 2023. Collection method: clinical testing. Allele origin: germline.
Comment: The c.13198C>T (p.R4400W) alteration is located in exon 52 (coding exon 52) of the KMT2C gene. This alteration results from a C to T substitution at nucleotide position 13198, causing the arginine (R) at amino acid position 4400 to be replaced by a tryptophan (W). This variant was not reported in population-based cohorts in the Genome Aggregation Database (gnomAD). This amino acid position is highly conserved in available vertebrate species. This alteration is predicted to be deleterious by in silico analysis. Based on insufficient or conflicting evidence, the clinical significance of this alteration remains unclear.

Baylor Genetics
Classification: Likely pathogenic for Kleefstra syndrome 2. Last evaluated: 2018-08-08. Review status: criteria provided, single submitter. Criteria: ACMG Guidelines, 2015. Collection method: clinical testing. Allele origin: de novo. Affected: yes.
Comment: This variant was determined to be likely pathogenic according to ACMG Guidelines, 2015 [PMID:25741868].

NM_170606.3(KMT2C):c.13198C>T (p.Arg4400Trp)

Gene: KMT2C (lysine methyltransferase 2C; minus strand). Cytogenetic location: 7q36.1.
Variant type: single nucleotide variant.
Coding change: c.13198C>T on transcript NM_170606.3 (MANE Select); coding-DNA position 13198, C replaced by T.
Protein change: p.Arg4400Trp; replaces arginine 4400 with tryptophan.
Molecular consequence: missense variant.
Genome position (GRCh38, 1-based): chr7:152,148,729, G>A on the plus strand (C>T on the coding strand, the complement: KMT2C is on the minus strand). VCF-style: chr7-152148729-G-A. GRCh37 (hg19) VCF-style: chr7-151845814-G-A.
Other names: short protein forms R4400W.
Identifiers: ClinVar variation 1033180 (VCV001033180.3), dbSNP rs144905657, ClinGen allele CA370092857.